The following is an entry in ClinVar:

NM_000037.4(ANK1):c.3050G>A (p.Trp1017Ter)

Gene: ANK1 (ankyrin 1; minus strand). Cytogenetic location: 8p11.21.
Variant type: single nucleotide variant.
Coding change: c.3050G>A on transcript NM_000037.4 (MANE Select); coding-DNA position 3050, G replaced by A.
Protein change: p.Trp1017Ter; replaces tryptophan 1017 with a stop codon.
Molecular consequence: nonsense.
Genome position (GRCh38, 1-based): chr8:41,695,242, C>T on the plus strand (G>A on the coding strand, the complement: ANK1 is on the minus strand). VCF-style: chr8-41695242-C-T. GRCh37 (hg19) VCF-style: chr8-41552760-C-T.
Other names: c.3173G>A, p.Trp1058Ter (NM_001142446.2); c.3050G>A, p.Trp1017Ter (NM_020475.3, NM_020476.3, NM_020477.3); short protein forms W1017*, W1058*.
Identifiers: ClinVar variation 2690511 (VCV002690511.3), dbSNP rs2486776816, ClinGen allele CA371061331.

ClinVar aggregate classification (germline): Pathogenic/Likely pathogenic. Review status: criteria provided, multiple submitters, no conflicts (2 of 4 stars). 2 submissions from 2 submitters: Pathogenic (1); Likely pathogenic (1). Last evaluated 2026-01-06.

Conditions:
Hereditary spherocytosis type 1. Also called: Spherocytosis type 1; ANK1-Related Spherocytosis. Identifiers: Orphanet 822, MedGen C2674218, MONDO:0008447, OMIM 182900.

Submissions (2):

Labcorp Genetics (formerly Invitae), Labcorp
Classification: Pathogenic. Last evaluated: 2026-01-06. Review status: criteria provided, single submitter. Criteria: Invitae Variant Classification Sherloc (09022015). Collection method: clinical testing. Allele origin: germline.
Comment: This sequence change creates a premature translational stop signal (p.Trp1017*) in the ANK1 gene. It is expected to result in an absent or disrupted protein product. Loss-of-function variants in ANK1 are known to be pathogenic (PMID: 8640229). This variant is not present in population databases (gnomAD no frequency). This variant has not been reported in the literature in individuals affected with ANK1-related conditions. ClinVar contains an entry for this variant (Variation ID: 2690511). For these reasons, this variant has been classified as Pathogenic.

Revvity Omics, Revvity
Classification: Likely pathogenic for Hereditary spherocytosis type 1. Last evaluated: 2023-03-01. Review status: criteria provided, single submitter. Criteria: ACMG Guidelines, 2015. Collection method: clinical testing. Allele origin: germline.

Literature cited by the submitters: PubMed 8640229 (cited by Labcorp Genetics (formerly Invitae), Labcorp).